The following is an entry in ClinVar:

ClinVar aggregate classification (germline): Uncertain significance. Review status: criteria provided, multiple submitters, no conflicts (2 of 4 stars). 2 submissions from 2 submitters: Uncertain significance (2). Last evaluated 2025-08-01.

Conditions:
Townes syndrome (TBS). Also called: Townes-Brocks syndrome. Identifiers: Orphanet 857, MedGen C0265246, MeSH C536974, MONDO:0007142.
Inborn genetic diseases. Identifiers: MedGen C0950123, MeSH D030342.

gnomAD v4.1: 33 of 1,614,014 alleles (0.002%); highest among the groups gnomAD compares: South Asian, 0.0011%; no homozygotes.

Submissions (2):

Labcorp Genetics (formerly Invitae), Labcorp
Classification: Uncertain significance for Townes syndrome. Last evaluated: 2025-08-01. Review status: criteria provided, single submitter. Criteria: Invitae Variant Classification Sherloc (09022015). Collection method: clinical testing. Allele origin: germline.
Comment: This sequence change replaces proline, which is neutral and non-polar, with alanine, which is neutral and non-polar, at codon 318 of the SALL1 protein (p.Pro318Ala). This variant is present in population databases (rs752104341, gnomAD 0.07%). This variant has not been reported in the literature in individuals affected with SALL1-related conditions. ClinVar contains an entry for this variant (Variation ID: 3436853). Invitae Evidence Modeling of protein sequence and biophysical properties (such as structural, functional, and spatial information, amino acid conservation, physicochemical variation, residue mobility, and thermodynamic stability) indicates that this missense variant is not expected to disrupt SALL1 protein function with a negative predictive value of 80%. In summary, the available evidence is currently insufficient to determine the role of this variant in disease. Therefore, it has been classified as a Variant of Uncertain Significance.

Ambry Genetics
Classification: Uncertain significance for Inborn genetic diseases. Last evaluated: 2024-10-08. Review status: criteria provided, single submitter. Criteria: Ambry Variant Classification Scheme 2023. Collection method: clinical testing. Allele origin: germline.

NM_002968.3(SALL1):c.952C>G (p.Pro318Ala)

Gene: SALL1 (spalt like transcription factor 1; minus strand). Cytogenetic location: 16q12.1.
Variant type: single nucleotide variant.
Coding change: c.952C>G on transcript NM_002968.3 (MANE Select); coding-DNA position 952, C replaced by G.
Protein change: p.Pro318Ala; replaces proline 318 with alanine.
Molecular consequence: missense variant.
Genome position (GRCh38, 1-based): chr16:51,141,270, G>C on the plus strand (C>G on the coding strand, the complement: SALL1 is on the minus strand). VCF-style: chr16-51141270-G-C. GRCh37 (hg19) VCF-style: chr16-51175181-G-C.
Other names: c.661C>G, p.Pro221Ala (NM_001127892.2); short protein forms P221A, P318A.
Identifiers: ClinVar variation 3436853 (VCV003436853.3).